The following is an entry in ClinVar:

ClinVar aggregate classification (germline): Uncertain significance (1 of 4 stars; one submission).

Conditions:
Colorectal cancer, hereditary nonpolyposis, type 7. Identifiers: Orphanet 144, MedGen C1858380, MONDO:0013725, OMIM 614385.

Submission:

Labcorp Genetics (formerly Invitae), Labcorp
Classification: Uncertain significance for Colorectal cancer, hereditary nonpolyposis, type 7. Last evaluated: 2022-12-02. Review status: criteria provided, single submitter. Criteria: Invitae Variant Classification Sherloc (09022015). Collection method: clinical testing. Allele origin: germline.
Comment: In summary, the available evidence is currently insufficient to determine the role of this variant in disease. Therefore, it has been classified as a Variant of Uncertain Significance. Algorithms developed to predict the effect of missense changes on protein structure and function output the following: SIFT: "Tolerated"; PolyPhen-2: "Benign"; Align-GVGD: "Class C0". The glutamic acid amino acid residue is found in multiple mammalian species, which suggests that this missense change does not adversely affect protein function. This variant has not been reported in the literature in individuals affected with MLH3-related conditions. This variant is not present in population databases (gnomAD no frequency). This sequence change replaces glycine, which is neutral and non-polar, with glutamic acid, which is acidic and polar, at codon 682 of the MLH3 protein (p.Gly682Glu).

NM_001040108.2(MLH3):c.2045G>A (p.Gly682Glu)

Gene: MLH3 (mutL homolog 3; minus strand). Cytogenetic location: 14q24.3.
Variant type: single nucleotide variant.
Coding change: c.2045G>A on transcript NM_001040108.2 (MANE Select); coding-DNA position 2045, G replaced by A.
Protein change: p.Gly682Glu; replaces glycine 682 with glutamic acid.
Molecular consequence: missense variant.
Genome position (GRCh38, 1-based): chr14:75,047,611, C>T on the plus strand (G>A on the coding strand, the complement: MLH3 is on the minus strand). VCF-style: chr14-75047611-C-T. GRCh37 (hg19) VCF-style: chr14-75514314-C-T.
Other names: c.2045G>A, p.Gly682Glu (NM_014381.3); short protein forms G682E.
Identifiers: ClinVar variation 2817990 (VCV002817990.3), dbSNP rs2503279937, ClinGen allele CA390443251.